The following is an entry in ClinVar:

ClinVar aggregate classification (germline): Pathogenic (1 of 4 stars; one submission).

Conditions:
Nemaline myopathy 5 (NEM5A). Also called: Nemaline myopathy 5, Amish type; NEMALINE MYOPATHY, AMISH TYPE; NEMALINE MYOPATHY 5A, AUTOSOMAL RECESSIVE, SEVERE INFANTILE. Identifiers: Orphanet 98902, MedGen C1854380, MONDO:0011539, OMIM 605355.

Submission:

Labcorp Genetics (formerly Invitae), Labcorp
Classification: Pathogenic for Nemaline myopathy 5. Last evaluated: 2020-11-24. Review status: criteria provided, single submitter. Criteria: Invitae Variant Classification Sherloc (09022015). Collection method: clinical testing. Allele origin: germline.
Comment: For these reasons, this variant has been classified as Pathogenic. This variant has not been reported in the literature in individuals with TNNT1-related conditions. This variant is a gross deletion of the genomic region encompassing exon(s) 6-8 of the TNNT1 gene. This deletion is out-of-frame, and is expected to create a premature translational stop signal and result in an absent or disrupted protein product. Loss-of-function variants in TNNT1 are known to be pathogenic (PMID: 10952871, 24689076, 25430424).

Literature cited by the submitters: PubMed 10952871; PubMed 24689076; PubMed 25430424.

NC_000019.9:g.(?_55652544)_(55656943_?)del

Gene: TNNT1 (troponin T1, slow skeletal type; minus strand). Cytogenetic location: 19q13.42.
Variant type: Deletion.
Identifiers: ClinVar variation 1413567 (VCV001413567.9).